The following is an entry in ClinVar:

ClinVar aggregate classification (germline): Uncertain significance (1 of 4 stars; one submission).

Conditions:
Multiple endocrine neoplasia, type 2 (MEN2). Identifiers: Orphanet 653, MedGen C4048306, MONDO:0019003. Disease mechanism: gain of function.

gnomAD v4.1: 1 of 1,614,228 alleles (0.000062%); highest among the groups gnomAD compares: Non-Finnish European, 0.000085%; no homozygotes.

Submission:

Labcorp Genetics (formerly Invitae), Labcorp
Classification: Uncertain significance for Multiple endocrine neoplasia, type 2. Last evaluated: 2024-09-12. Review status: criteria provided, single submitter. Criteria: Invitae Variant Classification Sherloc (09022015). Collection method: clinical testing. Allele origin: germline.
Comment: This sequence change replaces phenylalanine, which is neutral and non-polar, with valine, which is neutral and non-polar, at codon 174 of the RET protein (p.Phe174Val). This variant is not present in population databases (gnomAD no frequency). This variant has not been reported in the literature in individuals affected with RET-related conditions. An algorithm developed to predict the effect of missense changes on protein structure and function (PolyPhen-2) suggests that this variant is likely to be disruptive. In summary, the available evidence is currently insufficient to determine the role of this variant in disease. Therefore, it has been classified as a Variant of Uncertain Significance.

NM_020975.6(RET):c.520T>G (p.Phe174Val)

Gene: RET (ret proto-oncogene; plus strand). Cytogenetic location: 10q11.21.
Variant type: single nucleotide variant.
Coding change: c.520T>G on transcript NM_020975.6 (MANE Select); coding-DNA position 520, T replaced by G.
Protein change: p.Phe174Val; replaces phenylalanine 174 with valine.
Molecular consequence: missense variant. On other transcripts: intron variant (15).
Genome position (GRCh38, 1-based): chr10:43,102,524, T>G. VCF-style: chr10-43102524-T-G. GRCh37 (hg19) VCF-style: chr10-43597972-T-G.
Other names: c.520T>G, p.Phe174Val (NM_001406760.1, NM_001406763.1, NM_001406765.1 and 14 more transcripts); c.391T>G, p.Phe131Val (NM_001406761.1, NM_001406762.1, NM_001406764.1 and 4 more transcripts); c.337+1802T>G (NM_001406770.1, NM_001406766.1, NM_001406767.1 and 8 more transcripts); c.74-6507T>G (NM_001406784.1); c.74-9575T>G (NM_001406794.1, NM_001406792.1, NM_001406793.1); short protein forms F174V, F131V.
Identifiers: ClinVar variation 3697829 (VCV003697829.2).